The following is an entry in ClinVar:

NM_001083962.2:c.304+24622_369+779del

Gene: TCF4 (transcription factor 4; minus strand).
Variant type: Deletion.
Other names: c.304+24622_369+779del (NM_001083962.2).
Identifiers: ClinVar variation 2581009 (VCV002581009.1).

ClinVar aggregate classification (germline): Pathogenic (1 of 4 stars; one submission).

Conditions:
Pitt-Hopkins syndrome (PTHS). Also called: ENCEPHALOPATHY, SEVERE EPILEPTIC, WITH AUTONOMIC DYSFUNCTION; MENTAL RETARDATION, SYNDROMAL, WITH INTERMITTENT HYPERVENTILATION. Identifiers: Orphanet 2896, MedGen C1970431, MONDO:0012589, OMIM 610954.

Submission:

Dr. med. U. Finckh, Human Genetics, Eurofins MVZ
Classification: Pathogenic for Pitt-Hopkins syndrome. Last evaluated: 2021-07-09. Review status: criteria provided, single submitter. Criteria: ACMG Guidelines, 2015. Collection method: clinical testing. Allele origin: de novo. Affected: yes. Observed: 1 heterozygote.
Comment: The deletion was verified and characterized further by complementary methods (array revision, MLPA, nanopore sequencing) allowing identification of breakpoints with high probability. The deletion leads to the loss of a 65bp exon (exon 6 in isoform 1) in most isoforms, in a few isoforms to the loss of their first two exons, but also affects only the 5'UTR in some isoforms. However, disruptive variants upstream (and also downstream) have already been shown to be pathogenic. The deletion most likely leads to a non-functional gene product, has not been detected in the general population (gnomAD SVs v2.1; approx. 10,000 individuals) and has also been excluded in the parents (thus is assumed to be de novo). Thus, it is classified as pathogenic.